The following is an entry in ClinVar:

NM_006205.3(PDE6H):c.32C>T (p.Ala11Val)

Gene: PDE6H (phosphodiesterase 6H; plus strand). Cytogenetic location: 12p12.3.
Variant type: single nucleotide variant.
Coding change: c.32C>T on transcript NM_006205.3 (MANE Select); coding-DNA position 32, C replaced by T.
Protein change: p.Ala11Val; replaces alanine 11 with valine.
Molecular consequence: missense variant.
Genome position (GRCh38, 1-based): chr12:14,978,044, C>T. VCF-style: chr12-14978044-C-T. GRCh37 (hg19) VCF-style: chr12-15130978-C-T.
Other names: short protein forms A11V.
Identifiers: ClinVar variation 1717469 (VCV001717469.5), dbSNP rs1363445788, ClinGen allele CA384023798.

ClinVar aggregate classification (germline): Uncertain significance (1 of 4 stars; one submission).

Submission:

Labcorp Genetics (formerly Invitae), Labcorp
Classification: Uncertain significance. Last evaluated: 2023-09-26. Review status: criteria provided, single submitter. Criteria: Invitae Variant Classification Sherloc (09022015). Collection method: clinical testing. Allele origin: germline.
Comment: This sequence change replaces alanine, which is neutral and non-polar, with valine, which is neutral and non-polar, at codon 11 of the PDE6H protein (p.Ala11Val). This variant is not present in population databases (gnomAD no frequency). This variant has not been reported in the literature in individuals affected with PDE6H-related conditions. ClinVar contains an entry for this variant (Variation ID: 1717469). Algorithms developed to predict the effect of missense changes on protein structure and function output the following: SIFT: "Not Available"; PolyPhen-2: "Benign"; Align-GVGD: "Not Available". The valine amino acid residue is found in multiple mammalian species, which suggests that this missense change does not adversely affect protein function. In summary, the available evidence is currently insufficient to determine the role of this variant in disease. Therefore, it has been classified as a Variant of Uncertain Significance.